The following is an entry in ClinVar:

NM_001004730.1(OR5AR1):c.506G>A (p.Cys169Tyr)

Gene: OR5AR1 (olfactory receptor family 5 subfamily AR member 1; plus strand). Cytogenetic location: 11q12.1.
Variant type: single nucleotide variant.
Coding change: c.506G>A on transcript NM_001004730.1 (MANE Select); coding-DNA position 506, G replaced by A.
Protein change: p.Cys169Tyr; replaces cysteine 169 with tyrosine.
Molecular consequence: missense variant.
Genome position (GRCh38, 1-based): chr11:56,664,191, G>A. VCF-style: chr11-56664191-G-A. GRCh37 (hg19) VCF-style: chr11-56431667-G-A.
Other names: short protein forms C169Y.
Identifiers: ClinVar variation 1291871 (VCV001291871.3), dbSNP rs79043854, ClinGen allele CA6001226.

ClinVar aggregate classification (germline): Benign. Review status: criteria provided, multiple submitters, no conflicts (2 of 4 stars). 2 submissions from 2 submitters: Benign (2). Last evaluated 2021-02-24.

Allele frequency attached by ClinVar (database versions not stated): ESP Exome Variant Server 0.00108; gnomAD 0.00420 and 0.00605; gnomAD exomes 0.00483 and 0.01250; TOPMed 0.00618; ExAC 0.01206; 1000 Genomes Project 30x 0.02842; 1000 Genomes Project 0.02895.

Submissions (2):

GeneDx
Classification: Benign. Last evaluated: 2021-02-24. Review status: criteria provided, single submitter. Criteria: GeneDx Variant Classification Process June 2021. Collection method: clinical testing. Allele origin: germline. Affected: yes.
Comment: This variant is associated with the following publications: (PMID: 25889363)

Breakthrough Genomics
Classification: Benign. Review status: criteria provided, single submitter. Criteria: ACMG Guidelines, 2015. Collection method: not provided. Allele origin: germline. Inheritance: Unknown mechanism. Affected: yes.